The following is an entry in ClinVar:

NM_000032.5(ALAS2):c.1207A>G (p.Thr403Ala)

Gene: ALAS2 (5'-aminolevulinate synthase 2; minus strand). Cytogenetic location: Xp11.21.
Variant type: single nucleotide variant.
Coding change: c.1207A>G on transcript NM_000032.5 (MANE Select); coding-DNA position 1207, A replaced by G.
Protein change: p.Thr403Ala; replaces threonine 403 with alanine.
Molecular consequence: missense variant.
Genome position (GRCh38, 1-based): chrX:55,014,977, T>C on the plus strand (A>G on the coding strand, the complement: ALAS2 is on the minus strand). VCF-style: chrX-55014977-T-C. GRCh37 (hg19) VCF-style: chrX-55041410-T-C.
Other names: c.1096A>G, p.Thr366Ala (NM_001037967.4); c.1168A>G, p.Thr390Ala (NM_001037968.4); short protein forms T366A, T390A, T403A.
Identifiers: ClinVar variation 1312348 (VCV001312348.2), dbSNP rs2146716611, ClinGen allele CA413293123.

ClinVar aggregate classification (germline): Uncertain significance (1 of 4 stars; one submission).

Allele frequency attached by ClinVar (database versions not stated): gnomAD exomes below 0.00001.
gnomAD v4.1: 1 of 1,209,973 alleles (0.000083%); highest among the groups gnomAD compares: Non-Finnish European, 0.00011%; no homozygotes.

Submission:

GeneDx
Classification: Uncertain significance. Last evaluated: 2019-09-24. Review status: criteria provided, single submitter. Criteria: GeneDx Variant Classification Process June 2021. Collection method: clinical testing. Allele origin: germline. Affected: yes.
Comment: Not observed in large population cohorts (Lek et al., 2016); In silico analysis, which includes protein predictors and evolutionary conservation, supports a deleterious effect; Has not been previously published as pathogenic or benign to our knowledge